The following is an entry in ClinVar:

NM_152564.5(VPS13B):c.10204G>A (p.Ala3402Thr)

Gene: VPS13B (vacuolar protein sorting 13 homolog B; plus strand). Cytogenetic location: 8q22.2.
Variant type: single nucleotide variant.
Coding change: c.10204G>A on transcript NM_152564.5 (MANE Select); coding-DNA position 10204, G replaced by A.
Protein change: p.Ala3402Thr; replaces alanine 3402 with threonine.
Molecular consequence: missense variant.
Genome position (GRCh38, 1-based): chr8:99,853,593, G>A. VCF-style: chr8-99853593-G-A. GRCh37 (hg19) VCF-style: chr8-100865821-G-A.
Other names: c.10279G>A, p.Ala3427Thr (NM_017890.5); short protein forms A3402T, A3427T.
Identifiers: ClinVar variation 5017015 (VCV005017015.1).

ClinVar aggregate classification (germline): Uncertain significance (1 of 4 stars; one submission).

Submission:

GeneDx
Classification: Uncertain significance. Last evaluated: 2026-03-23. Review status: criteria provided, single submitter. Criteria: GeneDx Variant Classification Process June 2021. Collection method: clinical testing. Allele origin: germline.
Comment: Not observed at significant frequency in large population cohorts (gnomAD); In silico analysis suggests that this missense variant does not alter protein structure/function; Has not been previously published as pathogenic or benign to our knowledge